The following is an entry in ClinVar:

ClinVar aggregate classification (germline): Likely benign (1 of 4 stars; one submission).

Conditions:
LAMA5-related disorder. Also called: LAMA5-Related Disorders; LAMA5-related condition.

gnomAD v4.1: 14 of 1,611,604 alleles (0.00087%); highest among the groups gnomAD compares: African/African-American, 0.0013%; no homozygotes.

Submission:

PreventionGenetics, part of Exact Sciences
Classification: Likely benign for LAMA5-related condition. Last evaluated: 2026-08-11. Review status: criteria provided, single submitter. Criteria: ACMG Guidelines, 2015. Collection method: clinical testing. Allele origin: germline.
Comment: This variant is classified as likely benign based on ACMG/AMP sequence variant interpretation guidelines (Richards et al. 2015 PMID: 25741868, with internal and published modifications).

NM_005560.6(LAMA5):c.1086C>T (p.Tyr362=)

Gene: LAMA5 (laminin subunit alpha 5; minus strand). Cytogenetic location: 20q13.33.
Variant type: single nucleotide variant.
Coding change: c.1086C>T on transcript NM_005560.6 (MANE Select); coding-DNA position 1086, C replaced by T.
Protein change: p.Tyr362=; no amino-acid change (tyrosine 362 retained).
Molecular consequence: synonymous variant.
Genome position (GRCh38, 1-based): chr20:62,346,787, G>A on the plus strand (C>T on the coding strand, the complement: LAMA5 is on the minus strand). VCF-style: chr20-62346787-G-A. GRCh37 (hg19) VCF-style: chr20-60921843-G-A.
Identifiers: ClinVar variation 4994502 (VCV004994502.1).